The following is an entry in ClinVar:

ClinVar aggregate classification (germline): Likely pathogenic (1 of 4 stars; one submission).

Submission:

GeneDx
Classification: Likely pathogenic. Last evaluated: 2016-12-09. Review status: criteria provided, single submitter. Criteria: GeneDx Variant Classification (06012015). Collection method: clinical testing. Allele origin: germline. Affected: yes.
Comment: Although the c.419delA likely pathogenic variant in the TGFB2 gene has not been reported to our knowledge, this variant causes a shift in reading frame starting at codon Asparagine 140, changing it to a Methionine, and creating a premature stop codon at position 6 of the new reading frame, denoted p.Asn140MetfsX6. This likely pathogenic variant is expected to result in either an abnormal, truncated protein product or loss of protein from this allele through nonsense-mediated mRNA decay. Other downstream frameshift variants in the TGFB2 gene have been reported in HGMD in association with TAAD (Stenson et al., 2014). Furthermore, the c.419delA variant was not observed in approximately 6,500 individuals of European and African American ancestry in the NHLBI Exome Sequencing Project, indicating it is not a common benign variant in these populations.In summary, c.419delA in the TGFB2 gene is expected to be pathogenic, as loss of function variants in this gene are strongly associated with this phenotype.

NM_003238.6(TGFB2):c.419del (p.Asn140fs)

Gene: TGFB2 (transforming growth factor beta 2; plus strand). Cytogenetic location: 1q41.
Variant type: Deletion.
Coding change: c.419del on transcript NM_003238.6 (MANE Select); coding-DNA position 419, one base deleted (A; older notation c.419delA).
Protein change: p.Asn140fs; shifts the reading frame from asparagine 140.
Molecular consequence: frameshift variant. On other transcripts: non-coding transcript variant (2).
Genome position (GRCh38, 1-based): chr1:218,405,241, A deleted; the last of 2 consecutive A bases (chr1:218,405,240-218,405,241); deleting either gives the same sequence. VCF-style (leftmost placement, unchanged base first): chr1-218405239-GA-G. GRCh37 (hg19) VCF-style: chr1-218578581-GA-G.
Other names: c.503del, p.Asn168fs (NM_001135599.4); short protein forms N168fs, N140fs.
Identifiers: ClinVar variation 373765 (VCV000373765.1), dbSNP rs1057518597, ClinGen allele CA16042309.